The following is an entry in ClinVar:

NM_006922.4(SCN3A):c.4178G>A (p.Trp1393Ter)

Gene: SCN3A (sodium voltage-gated channel alpha subunit 3; minus strand). Cytogenetic location: 2q24.3.
Variant type: single nucleotide variant.
Coding change: c.4178G>A on transcript NM_006922.4 (MANE Select); coding-DNA position 4178, G replaced by A.
Protein change: p.Trp1393Ter; replaces tryptophan 1393 with a stop codon.
Molecular consequence: nonsense.
Genome position (GRCh38, 1-based): chr2:165,097,313, C>T on the plus strand (G>A on the coding strand, the complement: SCN3A is on the minus strand). VCF-style: chr2-165097313-C-T. GRCh37 (hg19) VCF-style: chr2-165953823-C-T.
Other names: c.4031G>A, p.Trp1344Ter (NM_001081676.2, NM_001081677.2); short protein forms W1344*, W1393*.
Identifiers: ClinVar variation 1712691 (VCV001712691.2), dbSNP rs2468071098, ClinGen allele CA349025273.

ClinVar aggregate classification (germline): Uncertain significance (1 of 4 stars; one submission).

Submission:

GeneDx
Classification: Uncertain significance. Last evaluated: 2022-04-28. Review status: criteria provided, single submitter. Criteria: GeneDx Variant Classification Process June 2021. Collection method: clinical testing. Allele origin: germline. Affected: yes.
Comment: Not observed at significant frequency in large population cohorts (gnomAD); Nonsense variant predicted to result in protein truncation or nonsense mediated decay in a gene or region of a gene for which loss of function is not a well-established mechanism of disease; Has not been previously published as pathogenic or benign to our knowledge